The following is an entry in ClinVar:

NC_000007.13:g.(?_92146659)_(92148107_?)del

Gene: PEX1 (peroxisomal biogenesis factor 1; minus strand). Cytogenetic location: 7q21.2.
Variant type: Deletion.
Identifiers: ClinVar variation 3245709 (VCV003245709.1).

ClinVar aggregate classification (germline): Likely pathogenic (1 of 4 stars; one submission).

Conditions:
Zellweger spectrum disorders (ZS). Also called: Zellweger Spectrum Disorder; Zellweger Spectrum; Zellweger Spectrum Disorder (ZSD); Zellweger syndrome. Identifiers: Orphanet 912, MedGen C0043459, MONDO:0019609.

Submission:

Labcorp Genetics (formerly Invitae), Labcorp
Classification: Likely pathogenic for Zellweger spectrum disorders. Last evaluated: 2023-10-01. Review status: criteria provided, single submitter. Criteria: Invitae Variant Classification Sherloc (09022015). Collection method: clinical testing. Allele origin: unknown.
Comment: This variant results in the deletion of exon 4 and part of exon 5 (c.357+202_1170del) of the PEX1 gene. It is expected to disrupt RNA splicing. Variants that disrupt the donor or acceptor splice site typically lead to a loss of protein function (PMID: 16199547), and loss-of-function variants in PEX1 are known to be pathogenic (PMID: 21031596, 26387595, 31831025). This variant has not been reported in the literature in individuals affected with PEX1-related conditions. ClinVar contains an entry for this variant (Variation ID: 863102). In summary, the currently available evidence indicates that the variant is pathogenic, but additional data are needed to prove that conclusively. Therefore, this variant has been classified as Likely Pathogenic.

Literature cited by the submitters: PubMed 16199547; PubMed 21031596; PubMed 26387595; PubMed 31831025.